The following is an entry in ClinVar:

NM_015259.6(ICOSLG):c.46C>T (p.Leu16Phe)

Gene: ICOSLG (inducible T cell costimulator ligand; minus strand). Cytogenetic location: 21q22.3.
Variant type: single nucleotide variant.
Coding change: c.46C>T on transcript NM_015259.6 (MANE Select); coding-DNA position 46, C replaced by T.
Protein change: p.Leu16Phe; replaces leucine 16 with phenylalanine.
Molecular consequence: missense variant. On other transcripts: 5 prime UTR variant (2).
Genome position (GRCh38, 1-based): chr21:44,238,457, G>A on the plus strand (C>T on the coding strand, the complement: ICOSLG is on the minus strand). VCF-style: chr21-44238457-G-A. GRCh37 (hg19) VCF-style: chr21-45658340-G-A.
Other names: c.46C>T, p.Leu16Phe (NM_001283050.2, NM_001283051.2, NM_001395918.1); c.-58C>T (NM_001283052.2); c.-36C>T (NM_001365759.2); short protein forms L16F.
Identifiers: ClinVar variation 1988617 (VCV001988617.6), dbSNP rs371788513, ClinGen allele CA321499189.

ClinVar aggregate classification (germline): Uncertain significance. Review status: criteria provided, multiple submitters, no conflicts (2 of 4 stars). 2 submissions from 2 submitters: Uncertain significance (2). Last evaluated 2025-12-05.

Allele frequency attached by ClinVar (database versions not stated): ExAC 0.00003; ESP Exome Variant Server 0.00008.

Submissions (2):

Labcorp Genetics (formerly Invitae), Labcorp
Classification: Uncertain significance. Last evaluated: 2025-12-05. Review status: criteria provided, single submitter. Criteria: Invitae Variant Classification Sherloc (09022015). Collection method: clinical testing. Allele origin: germline.
Comment: This sequence change replaces leucine, which is neutral and non-polar, with phenylalanine, which is neutral and non-polar, at codon 16 of the ICOSLG protein (p.Leu16Phe). This variant is present in population databases (rs371788513, gnomAD 0.02%). This variant has not been reported in the literature in individuals affected with ICOSLG-related conditions. ClinVar contains an entry for this variant (Variation ID: 1988617). Experimental studies and prediction algorithms are not available or were not evaluated, and the functional significance of this variant is currently unknown. In summary, the available evidence is currently insufficient to determine the role of this variant in disease. Therefore, it has been classified as a Variant of Uncertain Significance.

Ambry Genetics
Classification: Uncertain significance. Last evaluated: 2025-08-29. Review status: criteria provided, single submitter. Criteria: Ambry Variant Classification Scheme 2023. Collection method: clinical testing. Allele origin: germline.